The following is an entry in ClinVar:

ClinVar aggregate classification (germline): Likely pathogenic (1 of 4 stars; one submission).

Conditions:
CHARGE syndrome (CHARGE). Also called: Hittner Hirsch Kreh syndrome; Coloboma, heart anomaly, choanal atresia, retardation, genital and ear anomalies; CHARGE association; Hall-Hittner syndrome; CHARGE ASSOCIATION--COLOBOMA, HEART ANOMALY, CHOANAL ATRESIA, RETARDATION, GENITAL AND EAR ANOMALIES. Identifiers: Orphanet 138, MedGen C0265354, MONDO:0008965.

Submission:

Labcorp Genetics (formerly Invitae), Labcorp
Classification: Likely pathogenic for CHARGE syndrome. Last evaluated: 2019-05-08. Review status: criteria provided, single submitter. Criteria: Invitae Variant Classification Sherloc (09022015). Collection method: clinical testing. Allele origin: germline.
Comment: This variant, c.3094_3114del, results in the deletion of 7 amino acid(s) of the CHD7 protein (p.Glu1032_Trp1038del), but otherwise preserves the integrity of the reading frame. This variant is not present in population databases (ExAC no frequency). In summary, the currently available evidence indicates that the variant is pathogenic, but additional data are needed to prove that conclusively. Therefore, this variant has been classified as Likely Pathogenic. Experimental studies and prediction algorithms are not available for this variant, and the functional significance of the affected amino acid(s) is currently unknown.

NM_017780.4(CHD7):c.3094_3114del (p.Glu1032_Trp1038del)

Gene: CHD7 (chromodomain helicase DNA binding protein 7; plus strand). Cytogenetic location: 8q12.2.
Variant type: Deletion.
Coding change: c.3094_3114del on transcript NM_017780.4 (MANE Select); coding-DNA positions 3094 to 3114, 21 bases deleted (GAAAGGGAATTCCGAACCTGG).
Protein change: p.Glu1032_Trp1038del.
Molecular consequence: inframe deletion. On other transcripts: intron variant (1).
Genome position (GRCh38, 1-based): chr8:60,822,639-60,822,659, GAAAGGGAATTCCGAACCTGG deleted; deleting any 21 consecutive bases within chr8:60,822,635-60,822,659 gives the same sequence; the c. name uses the placement nearest the transcript's 3' end. VCF-style (leftmost placement, unchanged base first): chr8-60822634-ACTGGGAAAGGGAATTCCGAAC-A. GRCh37 (hg19) VCF-style: chr8-61735193-ACTGGGAAAGGGAATTCCGAAC-A.
Other names: c.1717-39590_1717-39570del (NM_001316690.1).
Identifiers: ClinVar variation 943918 (VCV000943918.9), dbSNP rs1804098493, ClinGen allele CA1139660547.